The following is an entry in ClinVar:

NM_001080467.3(MYO5B):c.901G>A (p.Asp301Asn)

Gene: MYO5B (myosin VB; minus strand). Cytogenetic location: 18q21.1.
Variant type: single nucleotide variant.
Coding change: c.901G>A on transcript NM_001080467.3 (MANE Select); coding-DNA position 901, G replaced by A.
Protein change: p.Asp301Asn; replaces aspartic acid 301 with asparagine.
Molecular consequence: missense variant.
Genome position (GRCh38, 1-based): chr18:49,984,763, C>T on the plus strand (G>A on the coding strand, the complement: MYO5B is on the minus strand). VCF-style: chr18-49984763-C-T. GRCh37 (hg19) VCF-style: chr18-47511133-C-T.
Other names: short protein forms D301N.
Identifiers: ClinVar variation 1423342 (VCV001423342.6), dbSNP rs762183636, ClinGen allele CA8961724.

ClinVar aggregate classification (germline): Uncertain significance (1 of 4 stars; one submission).

Allele frequency attached by ClinVar (database versions not stated): TOPMed below 0.00001; gnomAD exomes 0.00001; ExAC 0.00002.

Submission:

Labcorp Genetics (formerly Invitae), Labcorp
Classification: Uncertain significance. Last evaluated: 2022-06-13. Review status: criteria provided, single submitter. Criteria: Invitae Variant Classification Sherloc (09022015). Collection method: clinical testing. Allele origin: germline.
Comment: Algorithms developed to predict the effect of missense changes on protein structure and function are either unavailable or do not agree on the potential impact of this missense change (SIFT: "Deleterious"; PolyPhen-2: "Probably Damaging"; Align-GVGD: "Class C0"). In summary, the available evidence is currently insufficient to determine the role of this variant in disease. Therefore, it has been classified as a Variant of Uncertain Significance. This variant has not been reported in the literature in individuals affected with MYO5B-related conditions. This variant is present in population databases (rs762183636, gnomAD 0.006%). This sequence change replaces aspartic acid, which is acidic and polar, with asparagine, which is neutral and polar, at codon 301 of the MYO5B protein (p.Asp301Asn).